The following is an entry in ClinVar:

ClinVar aggregate classification (germline): Uncertain significance. Review status: criteria provided, multiple submitters, no conflicts (2 of 4 stars). 2 submissions from 2 submitters: Uncertain significance (2). Last evaluated 2024-02-17.

Conditions:
RFT1-congenital disorder of glycosylation (CDG1N). Also called: RFT1-CDG; CDG In; Congenital disorder of glycosylation type In. Identifiers: Orphanet 244310, MedGen C2677590, MONDO:0012783, OMIM 612015.

gnomAD v4.1: 8 of 1,568,424 alleles (0.00051%); highest among the groups gnomAD compares: Admixed American, 0.0075%; no homozygotes.

Submissions (2):

Labcorp Genetics (formerly Invitae), Labcorp
Classification: Uncertain significance for RFT1-congenital disorder of glycosylation. Last evaluated: 2024-02-17. Review status: criteria provided, single submitter. Criteria: Invitae Variant Classification Sherloc (09022015). Collection method: clinical testing. Allele origin: germline.
Comment: This sequence change replaces leucine, which is neutral and non-polar, with proline, which is neutral and non-polar, at codon 19 of the RFT1 protein (p.Leu19Pro). This variant is not present in population databases (gnomAD no frequency). This variant has not been reported in the literature in individuals affected with RFT1-related conditions. ClinVar contains an entry for this variant (Variation ID: 651416). Advanced modeling of protein sequence and biophysical properties (such as structural, functional, and spatial information, amino acid conservation, physicochemical variation, residue mobility, and thermodynamic stability) performed at Invitae indicates that this missense variant is expected to disrupt RFT1 protein function with a positive predictive value of 80%. In summary, the available evidence is currently insufficient to determine the role of this variant in disease. Therefore, it has been classified as a Variant of Uncertain Significance.

Illumina Laboratory Services, Illumina
Classification: Uncertain significance for RFT1-congenital disorder of glycosylation. Last evaluated: 2018-01-13. Review status: criteria provided, single submitter. Criteria: ICSL Variant Classification Criteria 13 December 2019. Collection method: clinical testing. Allele origin: germline.

NM_052859.4(RFT1):c.56T>C (p.Leu19Pro)

Genes: RFT1 (RFT1 glycolipid translocator homolog; minus strand), LOC129936883 (ATAC-STARR-seq lymphoblastoid active region 19954; plus strand). Cytogenetic location: 3p21.1.
Variant type: single nucleotide variant.
Coding change: c.56T>C on transcript NM_052859.4 (MANE Select); coding-DNA position 56, T replaced by C.
Protein change: p.Leu19Pro; replaces leucine 19 with proline.
Molecular consequence: missense variant.
Genome position (GRCh38, 1-based): chr3:53,130,345, A>G on the plus strand (T>C on the coding strand, the complement: RFT1 is on the minus strand). VCF-style: chr3-53130345-A-G. GRCh37 (hg19) VCF-style: chr3-53164361-A-G.
Other names: short protein forms L19P.
Identifiers: ClinVar variation 651416 (VCV000651416.7), dbSNP rs1575509225, ClinGen allele CA353225080.